The following is an entry in ClinVar:

NM_182641.4(BPTF):c.455C>G (p.Ala152Gly)

Genes: BPTF (bromodomain PHD finger transcription factor; plus strand), LOC130061496 (ATAC-STARR-seq lymphoblastoid active region 12632; plus strand). Cytogenetic location: 17q24.2.
Variant type: single nucleotide variant.
Coding change: c.455C>G on transcript NM_182641.4 (MANE Select); coding-DNA position 455, C replaced by G.
Protein change: p.Ala152Gly; replaces alanine 152 with glycine.
Molecular consequence: missense variant.
Genome position (GRCh38, 1-based): chr17:67,826,179, C>G. VCF-style: chr17-67826179-C-G. GRCh37 (hg19) VCF-style: chr17-65822295-C-G.
Other names: c.455C>G, p.Ala152Gly (NM_004459.7); short protein forms A152G.
Identifiers: ClinVar variation 1972455 (VCV001972455.5), dbSNP rs143770213, ClinGen allele CA8724984.

ClinVar aggregate classification (germline): Uncertain significance (1 of 4 stars; one submission).

Allele frequency attached by ClinVar (database versions not stated): ExAC 0.00003; TOPMed 0.00007; gnomAD 0.00008; ESP Exome Variant Server 0.00015.
gnomAD v4.1: 23 of 1,600,802 alleles (0.0014%); highest among the groups gnomAD compares: African/African-American, 0.023%; no homozygotes.

Submission:

Labcorp Genetics (formerly Invitae), Labcorp
Classification: Uncertain significance. Last evaluated: 2024-11-05. Review status: criteria provided, single submitter. Criteria: Invitae Variant Classification Sherloc (09022015). Collection method: clinical testing. Allele origin: germline.
Comment: This sequence change replaces alanine, which is neutral and non-polar, with glycine, which is neutral and non-polar, at codon 152 of the BPTF protein (p.Ala152Gly). This variant is present in population databases (rs143770213, gnomAD 0.04%). This variant has not been reported in the literature in individuals affected with BPTF-related conditions. ClinVar contains an entry for this variant (Variation ID: 1972455). Experimental studies and prediction algorithms are not available or were not evaluated, and the functional significance of this variant is currently unknown. In summary, the available evidence is currently insufficient to determine the role of this variant in disease. Therefore, it has been classified as a Variant of Uncertain Significance.